The following is an entry in ClinVar:

NM_001040108.2(MLH3):c.2773A>C (p.Asn925His)

Gene: MLH3 (mutL homolog 3; minus strand). Cytogenetic location: 14q24.3.
Variant type: single nucleotide variant.
Coding change: c.2773A>C on transcript NM_001040108.2 (MANE Select); coding-DNA position 2773, A replaced by C.
Protein change: p.Asn925His; replaces asparagine 925 with histidine.
Molecular consequence: missense variant.
Genome position (GRCh38, 1-based): chr14:75,046,883, T>G on the plus strand (A>C on the coding strand, the complement: MLH3 is on the minus strand). VCF-style: chr14-75046883-T-G. GRCh37 (hg19) VCF-style: chr14-75513586-T-G.
Other names: c.2773A>C, p.Asn925His (NM_014381.3); short protein forms N925H.
Identifiers: ClinVar variation 1795825 (VCV001795825.2), dbSNP rs2503261402, ClinGen allele CA390438591.

ClinVar aggregate classification (germline): Uncertain significance (1 of 4 stars; one submission).

Submission:

Ambry Genetics
Classification: Uncertain significance. Last evaluated: 2022-01-14. Review status: criteria provided, single submitter. Criteria: Ambry Variant Classification Scheme 2023. Collection method: clinical testing. Allele origin: germline.
Comment: The p.N925H variant (also known as c.2773A>C), located in coding exon 1 of the MLH3 gene, results from an A to C substitution at nucleotide position 2773. The asparagine at codon 925 is replaced by histidine, an amino acid with similar properties. This amino acid position is conserved. In addition, this alteration is predicted to be tolerated by in silico analysis. Since supporting evidence is limited at this time, the clinical significance of this alteration remains unclear.